The following is an entry in ClinVar:

ClinVar aggregate classification (germline): Benign. Review status: criteria provided, single submitter (1 of 4 stars). 3 submissions from 1 submitter: Benign (3). Last evaluated 2018-01-13.

Conditions:
Greig cephalopolysyndactyly syndrome (GCPS). Also called: POLYSYNDACTYLY WITH PECULIAR SKULL SHAPE; Greig syndrome; GLI3-Related Greig Cephalopolysyndactyly Syndrome. Identifiers: Orphanet 380, MedGen C0265306, MONDO:0008287, OMIM 175700.
Pallister-Hall syndrome (PHS). Also called: HYPOTHALAMIC HAMARTOBLASTOMA, HYPOPITUITARISM, IMPERFORATE ANUS, AND POSTAXIAL POLYDACTYLY; GLI3-Related Pallister-Hall Syndrome. Identifiers: Orphanet 672, MedGen C0265220, MONDO:0007804, OMIM 146510.
Polydactyly. Also called: polydactylism. Identifiers: MedGen C0152427, MONDO:0021003, OMIM 603596, HP:0010442.

Allele frequency attached by ClinVar (database versions not stated): TOPMed 0.01621; 1000 Genomes Project 0.02097; 1000 Genomes Project 30x 0.02171.

Submissions (3):

Illumina Laboratory Services, Illumina
Classification: Benign for Pallister-Hall syndrome. Last evaluated: 2018-01-13. Review status: criteria provided, single submitter. Criteria: ICSL Variant Classification Criteria 13 December 2019. Collection method: clinical testing. Allele origin: germline.
Comment: This variant was observed in the ICSL laboratory as part of a predisposition screen in an ostensibly healthy population. It had not been previously curated by ICSL or reported in the Human Gene Mutation Database (HGMD: prior to June 1st, 2018), and was therefore a candidate for classification through an automated scoring system. Utilizing variant allele frequency, disease prevalence and penetrance estimates, and inheritance mode, an automated score was calculated to assess if this variant is too frequent to cause the disease. Based on the score and internal cut-off values, a variant classified as benign is not then subjected to further curation. The score for this variant resulted in a classification of benign for this disease.

Illumina Laboratory Services, Illumina
Classification: Benign for Greig cephalopolysyndactyly syndrome. Last evaluated: 2018-01-13. Review status: criteria provided, single submitter. Criteria: ICSL Variant Classification Criteria 13 December 2019. Collection method: clinical testing. Allele origin: germline.
Comment: the same text as in the submission from Illumina Laboratory Services, Illumina above.

Illumina Laboratory Services, Illumina
Classification: Benign for Polydactyly. Last evaluated: 2018-01-13. Review status: criteria provided, single submitter. Criteria: ICSL Variant Classification Criteria 13 December 2019. Collection method: clinical testing. Allele origin: germline.
Comment: the same text as in the submission from Illumina Laboratory Services, Illumina above.

NM_000168.6(GLI3):c.-68G>A

Gene: GLI3 (GLI family zinc finger 3; minus strand). Cytogenetic location: 7p14.1.
Variant type: single nucleotide variant.
Coding change: c.-68G>A on transcript NM_000168.6 (MANE Select); 68 bases upstream of the start codon, G replaced by A.
Molecular consequence: 5 prime UTR variant.
Genome position (GRCh38, 1-based): chr7:42,236,996, C>T on the plus strand (G>A on the coding strand, the complement: GLI3 is on the minus strand). VCF-style: chr7-42236996-C-T. GRCh37 (hg19) VCF-style: chr7-42276595-C-T.
Identifiers: ClinVar variation 360266 (VCV000360266.5), dbSNP rs113629469, ClinGen allele CA10629217.